The following is an entry in ClinVar:

NM_020791.4(TAOK1):c.379G>A (p.Glu127Lys)

Gene: TAOK1 (TAO kinase 1; plus strand). Cytogenetic location: 17q11.2.
Variant type: single nucleotide variant.
Coding change: c.379G>A on transcript NM_020791.4 (MANE Select); coding-DNA position 379, G replaced by A.
Protein change: p.Glu127Lys; replaces glutamic acid 127 with lysine.
Molecular consequence: missense variant.
Genome position (GRCh38, 1-based): chr17:29,478,277, G>A. VCF-style: chr17-29478277-G-A. GRCh37 (hg19) VCF-style: chr17-27805295-G-A.
Other names: c.379G>A, p.Glu127Lys (NM_025142.1); short protein forms E127K.
Identifiers: ClinVar variation 3066124 (VCV003066124.1), dbSNP rs2508200760, ClinGen allele CA399189448.

ClinVar aggregate classification (germline): Uncertain significance (1 of 4 stars; one submission).

Conditions:
Developmental delay with or without intellectual impairment or behavioral abnormalities. Identifiers: MedGen C5562004, MONDO:0859199, OMIM 619575.

Submission:

MVZ Medizinische Genetik Mainz
Classification: Uncertain significance for Developmental delay with or without intellectual impairment or behavioral abnormalities. Last evaluated: 2022-11-15. Review status: criteria provided, single submitter. Criteria: UK Practice Guidelines For Variant Classification V4 01 2020. Collection method: clinical testing. Allele origin: germline. Inheritance: Autosomal dominant inheritance. Affected: yes. Observed: 1 variant allele.
Comment: ACMG Criteria: PM6, PM2_SUP, PP2, PP3 (ACMG Version 4)